The following is an entry in ClinVar:

ClinVar aggregate classification (germline): Conflicting classifications of pathogenicity. Review status: criteria provided, conflicting classifications (1 of 4 stars). 4 submissions from 4 submitters: Uncertain significance (1); Likely benign (3). Last evaluated 2026-01-21.

Conditions:
Fraser syndrome 1 (FRASRS1). Also called: CRYPTOPHTHALMOS WITH OTHER MALFORMATIONS. Identifiers: Orphanet 2052, MedGen C4551480, MONDO:0054737, OMIM 219000.
FRAS1-related disorder. Also called: FRAS1-related condition.

Allele frequency attached by ClinVar (database versions not stated): ESP Exome Variant Server 0.00024; gnomAD exomes 0.00026 and 0.00023; ExAC 0.00037; TOPMed 0.00014; gnomAD 0.00015.
gnomAD v4.1: 367 of 1,613,734 alleles (0.023%); highest among the groups gnomAD compares: Middle Eastern, 0.099%; no homozygotes.

Submissions (4):

Labcorp Genetics (formerly Invitae), Labcorp
Classification: Likely benign. Last evaluated: 2026-01-21. Review status: criteria provided, single submitter. Criteria: Invitae Variant Classification Sherloc (09022015). Collection method: clinical testing. Allele origin: germline.

PreventionGenetics, part of Exact Sciences
Classification: Likely benign for FRAS1-related condition. Last evaluated: 2025-03-09. Review status: criteria provided, single submitter. Criteria: ACMG Guidelines, 2015. Collection method: clinical testing. Allele origin: germline.
Comment: This variant is classified as likely benign based on ACMG/AMP sequence variant interpretation guidelines (Richards et al. 2015 PMID: 25741868, with internal and published modifications).

Blueprint Genetics
Classification: Likely benign. Last evaluated: 2024-10-29. Review status: criteria provided, single submitter. Criteria: ACMG Guidelines, 2015. Collection method: clinical testing. Allele origin: germline.

Illumina Laboratory Services, Illumina
Classification: Uncertain significance for Fraser syndrome 1. Last evaluated: 2018-01-12. Review status: criteria provided, single submitter. Criteria: ICSL Variant Classification Criteria 13 December 2019. Collection method: clinical testing. Allele origin: germline.

NM_025074.7(FRAS1):c.11682G>A (p.Ala3894=)

Gene: FRAS1 (Fraser extracellular matrix complex subunit 1; plus strand). Cytogenetic location: 4q21.21.
Variant type: single nucleotide variant.
Coding change: c.11682G>A on transcript NM_025074.7 (MANE Select); coding-DNA position 11682, G replaced by A.
Protein change: p.Ala3894=; no amino-acid change (alanine 3894 retained).
Molecular consequence: synonymous variant.
Genome position (GRCh38, 1-based): chr4:78,540,767, G>A. VCF-style: chr4-78540767-G-A. GRCh37 (hg19) VCF-style: chr4-79461921-G-A.
Identifiers: ClinVar variation 728325 (VCV000728325.12), dbSNP rs376389151, ClinGen allele CA2979275.